The following is an entry in ClinVar:

NM_000384.3(APOB):c.6640G>A (p.Glu2214Lys)

Gene: APOB (apolipoprotein B; minus strand). Cytogenetic location: 2p24.1.
Variant type: single nucleotide variant.
Coding change: c.6640G>A on transcript NM_000384.3 (MANE Select); coding-DNA position 6640, G replaced by A.
Protein change: p.Glu2214Lys; replaces glutamic acid 2214 with lysine.
Molecular consequence: missense variant.
Genome position (GRCh38, 1-based): chr2:21,010,228, C>T on the plus strand (G>A on the coding strand, the complement: APOB is on the minus strand). VCF-style: chr2-21010228-C-T. GRCh37 (hg19) VCF-style: chr2-21233100-C-T.
Other names: short protein forms E2214K.
Identifiers: ClinVar variation 808689 (VCV000808689.16), dbSNP rs1239957664, ClinGen allele CA346001236.

ClinVar aggregate classification (germline): Uncertain significance. Review status: criteria provided, multiple submitters, no conflicts (2 of 4 stars). 3 submissions from 3 submitters: Uncertain significance (3). Last evaluated 2026-07-13.

Conditions:
Cardiovascular phenotype. Identifiers: MedGen CN230736.

Allele frequency attached by ClinVar (database versions not stated): gnomAD exomes below 0.00001; TOPMed below 0.00001.
gnomAD v4.1: 3 of 1,549,714 alleles (0.00019%); highest among the groups gnomAD compares: Non-Finnish European, 0.00026%; no homozygotes.

Submissions (3):

Ambry Genetics
Classification: Uncertain significance for Cardiovascular phenotype. Last evaluated: 2026-07-13. Review status: criteria provided, single submitter. Criteria: Ambry Variant Classification Scheme 2023. Collection method: clinical testing. Allele origin: germline.
Comment: The p.E2214K variant (also known as c.6640G>A), located in coding exon 26 of the APOB gene, results from a G to A substitution at nucleotide position 6640. The glutamic acid at codon 2214 is replaced by lysine, an amino acid with similar properties. This amino acid position is conserved. In addition, this alteration is predicted to be tolerated by in silico analysis. Based on the available evidence, the clinical significance of this variant remains unclear.

GeneDx
Classification: Uncertain significance. Last evaluated: 2025-03-31. Review status: criteria provided, single submitter. Criteria: GeneDx Variant Classification Process June 2021. Collection method: clinical testing. Allele origin: germline. Affected: yes.
Comment: Not observed at significant frequency in large population cohorts (gnomAD); In silico analysis indicates that this missense variant does not alter protein structure/function; Has not been previously published as pathogenic or benign to our knowledge

Mendelics
Classification: Uncertain significance. Last evaluated: 2022-05-04. Review status: criteria provided, single submitter. Criteria: Mendelics Assertion Criteria 2019. Collection method: clinical testing. Allele origin: germline.